The following is an entry in ClinVar:

NM_001379200.1(TBX1):c.124C>T (p.Pro42Ser)

Gene: TBX1 (T-box transcription factor 1; plus strand). Cytogenetic location: 22q11.21.
Variant type: single nucleotide variant.
Coding change: c.124C>T on transcript NM_001379200.1 (MANE Select); coding-DNA position 124, C replaced by T.
Protein change: p.Pro42Ser; replaces proline 42 with serine.
Molecular consequence: missense variant.
Genome position (GRCh38, 1-based): chr22:19,760,967, C>T. VCF-style: chr22-19760967-C-T. GRCh37 (hg19) VCF-style: chr22-19748490-C-T.
Other names: c.97C>T, p.Pro33Ser (NM_005992.1, NM_080646.2, NM_080647.1); short protein forms P33S, P42S.
Identifiers: ClinVar variation 1057870 (VCV001057870.9), dbSNP rs2145827697, ClinGen allele CA410681200.

ClinVar aggregate classification (germline): Uncertain significance (1 of 4 stars; one submission).

Conditions:
DiGeorge syndrome. Also called: Catch22; THIRD AND FOURTH PHARYNGEAL POUCH SYNDROME. Identifiers: Orphanet 567, MedGen C0012236, MONDO:0008564, OMIM 188400.

Submission:

Labcorp Genetics (formerly Invitae), Labcorp
Classification: Uncertain significance for DiGeorge syndrome. Last evaluated: 2020-11-06. Review status: criteria provided, single submitter. Criteria: Invitae Variant Classification Sherloc (09022015). Collection method: clinical testing. Allele origin: germline.
Comment: This sequence change replaces proline with serine at codon 33 of the TBX1 protein (p.Pro33Ser). The proline residue is moderately conserved and there is a moderate physicochemical difference between proline and serine. The frequency data for this variant in the population databases is considered unreliable, as metrics indicate insufficient coverage at this position in the ExAC database. This variant has been observed in one or more individuals who were not affected with TBX1-related conditions (Invitae). Algorithms developed to predict the effect of missense changes on protein structure and function are either unavailable or do not agree on the potential impact of this missense change (SIFT: "Tolerated"; PolyPhen-2: "Not Available"; Align-GVGD: "Class C0"). In summary, the available evidence is currently insufficient to determine the role of this variant in disease. Therefore, it has been classified as a Variant of Uncertain Significance.